The following is an entry in ClinVar:

NM_001128178.3(NPHP1):c.1950G>A (p.Leu650=)

Gene: NPHP1 (nephrocystin 1; minus strand). Cytogenetic location: 2q13.
Variant type: single nucleotide variant.
Coding change: c.1950G>A on transcript NM_001128178.3 (MANE Select); coding-DNA position 1950, G replaced by A.
Protein change: p.Leu650=; no amino-acid change (leucine 650 retained).
Molecular consequence: synonymous variant. On other transcripts: 3 prime UTR variant (1).
Genome position (GRCh38, 1-based): chr2:110,123,875, C>T on the plus strand (G>A on the coding strand, the complement: NPHP1 is on the minus strand). VCF-style: chr2-110123875-C-T. GRCh37 (hg19) VCF-style: chr2-110881452-C-T.
Other names: c.2118G>A, p.Leu706= (NM_000272.5); c.1761G>A, p.Leu587= (NM_001128179.3); c.1947G>A, p.Leu649= (NM_001374256.1); c.*192G>A (NM_001374257.1); c.2115G>A, p.Leu705= (NM_207181.4).
Identifiers: ClinVar variation 219983 (VCV000219983.21), dbSNP rs144850331, ClinGen allele CA349342.

ClinVar aggregate classification (germline): Conflicting classifications of pathogenicity. Review status: criteria provided, conflicting classifications (1 of 4 stars). 5 submissions from 5 submitters: Uncertain significance (1); Likely benign (3). 1 of the submissions does not count toward it. Last evaluated 2026-01-14.

Conditions:
Nephronophthisis. Also called: Juvenile Nephronophthisis. Identifiers: Orphanet 655, MedGen C0687120, MONDO:0019005, HP:0000090.
NPHP1-related disorder. Also called: NPHP1-related condition; NPHP1-related disorders.

Allele frequency attached by ClinVar (database versions not stated): gnomAD exomes 0.00006; ESP Exome Variant Server 0.00077; TOPMed 0.00079; 1000 Genomes Project 0.00100; 1000 Genomes Project 30x 0.00109.
gnomAD v4.1: 191 of 1,614,116 alleles (0.012%); highest among the groups gnomAD compares: African/African-American, 0.2%; no homozygotes.

Submissions (5):

Labcorp Genetics (formerly Invitae), Labcorp
Classification: Likely benign for Nephronophthisis. Last evaluated: 2026-01-14. Review status: criteria provided, single submitter. Criteria: Invitae Variant Classification Sherloc (09022015). Collection method: clinical testing. Allele origin: germline.

Blueprint Genetics
Classification: Likely benign. Last evaluated: 2024-07-05. Review status: criteria provided, single submitter. Criteria: ACMG Guidelines, 2015. Collection method: clinical testing. Allele origin: germline.

GeneDx
Classification: Likely benign. Last evaluated: 2019-10-25. Review status: criteria provided, single submitter. Criteria: GeneDx Variant Classification Process June 2021. Collection method: clinical testing. Allele origin: germline. Affected: yes.

Eurofins Ntd Llc (ga)
Classification: Uncertain significance. Last evaluated: 2018-02-23. Review status: criteria provided, single submitter. Criteria: EGL ClinVar v180209 classification definitions. Collection method: clinical testing. Allele origin: germline. Observed: 5 variant alleles, 5 heterozygotes.

PreventionGenetics, part of Exact Sciences
Classification: Likely benign for NPHP1-related condition. Last evaluated: 2021-02-16. Review status: no assertion criteria provided. Collection method: clinical testing. Allele origin: germline. Not counted in ClinVar's aggregate classification.
Comment: This variant is classified as likely benign based on ACMG/AMP sequence variant interpretation guidelines (Richards et al. 2015 PMID: 25741868, with internal and published modifications).